The following is an entry in ClinVar:

ClinVar aggregate classification (germline): Likely pathogenic. Review status: criteria provided, multiple submitters, no conflicts (2 of 4 stars). 2 submissions from 2 submitters: Likely pathogenic (2). Last evaluated 2025-10-16.

Conditions:
Megalencephalic leukoencephalopathy with subcortical cysts 1 (MLC1). Also called: VACUOLATING MEGALENCEPHALIC LEUKOENCEPHALOPATHY WITH SUBCORTICAL CYSTS; LEUKOENCEPHALOPATHY WITH SWELLING AND CYSTS. Identifiers: Orphanet 2478, MedGen C5779875, MONDO:0024555, OMIM 604004.
Megalencephalic leukoencephalopathy with subcortical cysts. Also called: VAN DER KNAAP DISEASE. Identifiers: Orphanet 2478, MedGen C1858854, MONDO:0011391.

gnomAD v4.1: 3 of 1,613,492 alleles (0.00019%); highest among the groups gnomAD compares: African/African-American, 0.0013%; no homozygotes.

Submissions (2):

Natera, Inc.
Classification: Likely pathogenic for Megalencephalic leukoencephalopathy with subcortical cysts. Last evaluated: 2025-10-16. Review status: criteria provided, single submitter. Criteria: Natera Variant Classification Schema (03/2026). Collection method: clinical testing. Allele origin: germline.
Comment: The c.597+2T>C variant in MLC1 is a canonical splice donor site variant predicted to affect pre-mRNA splicing, which may result in an abnormal transcript and altered protein product. This variant may result in a truncated or dysfunctional protein product. This variant is rare in the general population with a frequency below the threshold expected for the associated phenotype(s). Another variant at this same site results in an alteration predicted to cause a similar molecular effect has been observed in individual(s) with the associated phenotype. Given the available evidence, this variant is classified as Likely Pathogenic.

Fulgent Genetics
Classification: Likely pathogenic for Megalencephalic leukoencephalopathy with subcortical cysts 1. Last evaluated: 2024-05-24. Review status: criteria provided, single submitter. Criteria: ACMG Guidelines, 2015. Collection method: clinical testing. Allele origin: germline.

NM_015166.4(MLC1):c.597+2T>C

Gene: MLC1 (modulator of VRAC current 1; minus strand). Cytogenetic location: 22q13.33.
Variant type: single nucleotide variant.
Coding change: c.597+2T>C on transcript NM_015166.4 (MANE Select); the canonical splice donor site of the intron after coding-DNA position 597, T replaced by C.
Molecular consequence: splice donor variant.
Genome position (GRCh38, 1-based): chr22:50,076,839, A>G on the plus strand (T>C on the coding strand, the complement: MLC1 is on the minus strand). VCF-style: chr22-50076839-A-G. GRCh37 (hg19) VCF-style: chr22-50515268-A-G.
Other names: c.597+2T>C (NM_001376474.1, NM_001376475.1, NM_001376476.1 and 7 more transcripts); c.360+2T>C (NM_001376484.1); c.507+2T>C (NM_001376480.1); c.441+2T>C (NM_001376482.1, NM_001376483.1); c.495+2T>C (NM_001376481.1).
Identifiers: ClinVar variation 3588114 (VCV003588114.3).